The following is an entry in ClinVar:

ClinVar aggregate classification (germline): Likely pathogenic (1 of 4 stars; one submission).

Conditions:
Autosomal recessive limb-girdle muscular dystrophy type 2J (LGMDR10). Also called: Limb-girdle muscular dystrophy, type 2J; MUSCULAR DYSTROPHY, LIMB-GIRDLE, AUTOSOMAL RECESSIVE 10. Identifiers: Orphanet 140922, MedGen C1837342, MONDO:0012127, OMIM 608807.

Submission:

Broad Center for Mendelian Genomics, Broad Institute of MIT and Harvard
Classification: Likely pathogenic for Autosomal recessive limb-girdle muscular dystrophy type 2J. Last evaluated: 2024-12-09. Review status: criteria provided, single submitter. Criteria: ACMG/ClinGen CNV Guidelines, 2019. Collection method: research. Allele origin: unknown. Inheritance: Autosomal recessive inheritance. Affected: yes. Study: GREGoR Consortium.
Comment: These breakpoints have been estimated by exome sequencing only and therefore may not reflect the true breakpoints. The patient phenotype is nonspecific, but is consistent with cases described in the literature. This intragenic variant is predicted to cause a frameshift, which alters the protein’s amino acid sequence beginning at exon 326 and leads to a premature termination codon. This alteration is then predicted to lead to a truncated or absent protein. Loss of function of the TTN gene is an established disease mechanism in autosomal recessive TTN-related myopathy. In summary, although additional studies are required to fully establish its clinical significance, this variant is likely pathogenic for autosomal recessive congenital myopathy 5 with cardiomyopathy. The ACMG/ClinGen evidence codes and points used in this curation are as follows: 1: 0 points, 2: 0.9 points, 3: 0 points, 4-5: 0.08 points; Total: 0.98 point; Riggs 2020 (PMID: 31690835).

GRCh38/hg38 2q31.2(chr2:178567656-178574328)x1

Genes: TTN (titin; minus strand), TTN-AS1 (TTN antisense RNA 1; plus strand). Cytogenetic location: 2q31.2.
Variant type: copy number loss.
Change: copy number 1 (one copy instead of two) of chr2:178,567,656-178,574,328 (6.7 kb, GRCh38 coordinates, 1-based), cytogenetic band 2q31.2.
Identifiers: ClinVar variation 3571455 (VCV003571455.1).